The following is an entry in ClinVar:

ClinVar aggregate classification (germline): Conflicting classifications of pathogenicity. Review status: criteria provided, conflicting classifications (1 of 4 stars). 3 submissions from 3 submitters: Likely pathogenic (2); Uncertain significance (1). Last evaluated 2025-08-25.

Conditions:
Inborn genetic diseases. Identifiers: MedGen C0950123, MeSH D030342.

Submissions (3):

Ambry Genetics
Classification: Likely pathogenic for Inborn genetic diseases. Last evaluated: 2025-08-25. Review status: criteria provided, single submitter. Criteria: Ambry Variant Classification Scheme 2023. Collection method: clinical testing. Allele origin: germline.
Comment: The c.2956C>T (p.R986C) alteration is located in exon 11 (coding exon 11) of the CDK13 gene. This alteration results from a C to T substitution at nucleotide position 2956, causing the arginine (R) at amino acid position 986 to be replaced by a cysteine (C). This variant was not reported in population-based cohorts in the Genome Aggregation Database (gnomAD). This variant was determined to be de novo in at least one individual with features consistent with CDK13-related neurodevelopmental disorder (Morison, 2023). This amino acid position is highly conserved in available vertebrate species. This missense alteration is located in a region that has a low rate of benign missense variation (Lek, 2016; Firth, 2009). This alteration is predicted to be deleterious by in silico analysis. Based on the available evidence, this alteration is classified as likely pathogenic.

GeneDx
Classification: Likely pathogenic. Last evaluated: 2025-06-03. Review status: criteria provided, single submitter. Criteria: GeneDx Variant Classification Process June 2021. Collection method: clinical testing. Allele origin: germline. Affected: yes.
Comment: Apparently de novo variant in a patient with hypotonia, hypospadias, inguinal hernia, feeding difficulties, ear anomalies, and developmental delay in published literature (PMID: 36599938); Not observed at significant frequency in large population cohorts (gnomAD); In silico analysis supports that this missense variant has a deleterious effect on protein structure/function; This variant is associated with the following publications: (PMID: 36599938)

Labcorp Genetics (formerly Invitae), Labcorp
Classification: Uncertain significance. Last evaluated: 2025-03-17. Review status: criteria provided, single submitter. Criteria: Invitae Variant Classification Sherloc (09022015). Collection method: clinical testing. Allele origin: germline.
Comment: This sequence change replaces arginine, which is basic and polar, with cysteine, which is neutral and slightly polar, at codon 986 of the CDK13 protein (p.Arg986Cys). This variant is not present in population databases (gnomAD no frequency). This missense change has been observed in individual(s) with clinical features of CDK13-related conditions (PMID: 36599938). Invitae Evidence Modeling of protein sequence and biophysical properties (such as structural, functional, and spatial information, amino acid conservation, physicochemical variation, residue mobility, and thermodynamic stability) indicates that this missense variant is expected to disrupt CDK13 protein function with a positive predictive value of 95%. In summary, the available evidence is currently insufficient to determine the role of this variant in disease. Therefore, it has been classified as a Variant of Uncertain Significance.

Literature cited by the submitters: PubMed 36599938 (cited by Ambry Genetics and Labcorp Genetics (formerly Invitae), Labcorp).

NM_003718.5(CDK13):c.2956C>T (p.Arg986Cys)

Gene: CDK13 (cyclin dependent kinase 13; plus strand). Cytogenetic location: 7p14.1.
Variant type: single nucleotide variant.
Coding change: c.2956C>T on transcript NM_003718.5 (MANE Select); coding-DNA position 2956, C replaced by T.
Protein change: p.Arg986Cys; replaces arginine 986 with cysteine.
Molecular consequence: missense variant.
Genome position (GRCh38, 1-based): chr7:40,078,778, C>T. VCF-style: chr7-40078778-C-T. GRCh37 (hg19) VCF-style: chr7-40118377-C-T.
Other names: c.2956C>T, p.Arg986Cys (NM_031267.4); short protein forms R986C.
Identifiers: ClinVar variation 4224480 (VCV004224480.3).